The following is an entry in ClinVar:

NM_147127.5(EVC2):c.876_892dup (p.His298fs)

Gene: EVC2 (EvC ciliary complex subunit 2; minus strand). Cytogenetic location: 4p16.2.
Variant type: Duplication.
Coding change: c.876_892dup on transcript NM_147127.5 (MANE Select); coding-DNA positions 876 to 892, 17 bases duplicated (GCCGCACCACGGCCTCC).
Protein change: p.His298fs; shifts the reading frame from histidine 298.
Molecular consequence: frameshift variant.
Genome position (GRCh38, 1-based): chr4:5,665,628-5,665,644, GGAGGCCGTGGTGCGGC duplicated on the plus strand (GCCGCACCACGGCCTCC on the coding strand, the reverse complement: EVC2 is on the minus strand). VCF-style (leftmost placement, unchanged base first): chr4-5665627-T-TGGAGGCCGTGGTGCGGC. GRCh37 (hg19) VCF-style: chr4-5667354-T-TGGAGGCCGTGGTGCGGC.
Other names: c.636_652dup, p.His218fs (NM_001166136.2); short protein forms H218fs, H298fs.
Identifiers: ClinVar variation 1224461 (VCV001224461.7), dbSNP rs2108900159, ClinGen allele CA2499217291.

ClinVar aggregate classification (germline): Pathogenic/Likely pathogenic. Review status: criteria provided, multiple submitters, no conflicts (2 of 4 stars). 2 submissions from 2 submitters: Pathogenic (1); Likely pathogenic (1). Last evaluated 2024-04-09.

Conditions:
Curry-Hall syndrome (WAD). Also called: WEYERS ACRODENTAL DYSOSTOSIS. Identifiers: Orphanet 952, MedGen C0457013, MONDO:0008673, OMIM 193530.
Ellis-van Creveld syndrome (EVC). Also called: MESOECTODERMAL DYSPLASIA; Chondroectodermal dysplasia. Identifiers: Orphanet 289, MedGen C0013903, MONDO:0009162, OMIM 225500.
EVC2-related disorders.

Submissions (2):

Labcorp Genetics (formerly Invitae), Labcorp
Classification: Pathogenic for Curry-Hall syndrome; Ellis-van Creveld syndrome. Last evaluated: 2024-04-09. Review status: criteria provided, single submitter. Criteria: Invitae Variant Classification Sherloc (09022015). Collection method: clinical testing. Allele origin: germline.
Comment: This sequence change creates a premature translational stop signal (p.His298Argfs*21) in the EVC2 gene. It is expected to result in an absent or disrupted protein product. Loss-of-function variants in EVC2 are known to be pathogenic (PMID: 17024374, 19810119, 19876929). This variant is not present in population databases (gnomAD no frequency). This premature translational stop signal has been observed in individual(s) with clinical features of Ellis-van Creveld syndrome (PMID: 34627339). ClinVar contains an entry for this variant (Variation ID: 1224461). For these reasons, this variant has been classified as Pathogenic.

Blueprint Genetics
Classification: Likely pathogenic for EVC2-related disorders. Last evaluated: 2019-05-23. Review status: criteria provided, single submitter. Criteria: ACMG Guidelines, 2015. Collection method: clinical testing. Allele origin: germline. Affected: yes. Observed: 1 variant allele.

Literature cited by the submitters: PubMed 17024374 (cited by Labcorp Genetics (formerly Invitae), Labcorp); PubMed 19810119 (cited by Labcorp Genetics (formerly Invitae), Labcorp); PubMed 19876929 (cited by Labcorp Genetics (formerly Invitae), Labcorp); PubMed 34627339 (cited by Labcorp Genetics (formerly Invitae), Labcorp).